The following is an entry in ClinVar:

NM_004525.3(LRP2):c.12756C>T (p.Asp4252=)

Gene: LRP2 (LDL receptor related protein 2; minus strand). Cytogenetic location: 2q31.1.
Variant type: single nucleotide variant.
Coding change: c.12756C>T on transcript NM_004525.3 (MANE Select); coding-DNA position 12756, C replaced by T.
Protein change: p.Asp4252=; no amino-acid change (aspartic acid 4252 retained).
Molecular consequence: synonymous variant.
Genome position (GRCh38, 1-based): chr2:169,146,794, G>A on the plus strand (C>T on the coding strand, the complement: LRP2 is on the minus strand). VCF-style: chr2-169146794-G-A. GRCh37 (hg19) VCF-style: chr2-170003304-G-A.
Identifiers: ClinVar variation 332078 (VCV000332078.39), dbSNP rs201793817, ClinGen allele CA1952743.
Genomic context (GRCh38, chr2:169,146,794, plus strand): 5'-CTAACCTTCCTTTGCAATGACTCTCCTATCAGTCCCATCATATTTTATGGTTTCAATAAC[G>A]TCCTCCTTGAAGTCACTCCAGTAGATTCGGTCATTGTTCAAATAATCGATAGAAAGGCCA-3'
Protein context (NP_004516.2, residues 4242-4262): DRIYWSDFKE[Asp4252=]VIETIKYDGT

ClinVar aggregate classification (germline): Conflicting classifications of pathogenicity. Review status: criteria provided, conflicting classifications (1 of 4 stars). 5 submissions from 5 submitters: Uncertain significance (1); Likely benign (4). Last evaluated 2026-01-28.

Conditions:
Donnai-Barrow syndrome. Also called: DBS/FOAR SYNDROME; FACIOOCULOACOUSTICORENAL SYNDROME. Identifiers: Orphanet 2143, MedGen C1857277, MONDO:0009104, OMIM 222448.

Allele frequency attached by ClinVar (database versions not stated): gnomAD exomes 0.00006; ExAC 0.00008; ESP Exome Variant Server 0.00008; gnomAD 0.00012 and 0.00013; 1000 Genomes Project 0.00020; TOPMed 0.00021; 1000 Genomes Project 30x 0.00031.

Submissions (5):

Labcorp Genetics (formerly Invitae), Labcorp
Classification: Likely benign. Last evaluated: 2026-01-28. Review status: criteria provided, single submitter. Criteria: Invitae Variant Classification Sherloc (09022015). Collection method: clinical testing. Allele origin: germline.

Blueprint Genetics
Classification: Likely benign. Last evaluated: 2024-03-13. Review status: criteria provided, single submitter. Criteria: ACMG Guidelines, 2015. Collection method: clinical testing. Allele origin: germline.

CeGaT Center for Human Genetics Tuebingen
Classification: Likely benign. Last evaluated: 2024-01-01. Review status: criteria provided, single submitter. Criteria: CeGaT Center For Human Genetics Tuebingen Variant Classification Criteria Version 2. Collection method: clinical testing. Allele origin: germline. Affected: yes. Observed: 1 variant allele.
Comment: LRP2: BP4, BP7

Genome-Nilou Lab
Classification: Likely benign for Donnai-Barrow syndrome. Last evaluated: 2021-07-15. Review status: criteria provided, single submitter. Criteria: ACMG Guidelines, 2015. Collection method: clinical testing. Allele origin: germline. Affected: no.

Illumina Laboratory Services, Illumina
Classification: Uncertain significance for Donnai-Barrow syndrome. Last evaluated: 2018-01-12. Review status: criteria provided, single submitter. Criteria: ICSL Variant Classification Criteria 13 December 2019. Collection method: clinical testing. Allele origin: germline.